The following is an entry in ClinVar:

ClinVar aggregate classification (germline): Uncertain significance. Review status: criteria provided, multiple submitters, no conflicts (2 of 4 stars). 3 submissions from 3 submitters: Uncertain significance (3). Last evaluated 2024-04-30.

Conditions:
Cystathioninuria. Also called: CYSTATHIONASE DEFICIENCY. Identifiers: Orphanet 212, MedGen C0220993, MONDO:0009058, OMIM 219500, HP:0003153.

Allele frequency attached by ClinVar (database versions not stated): 1000 Genomes Project 0.00100; ESP Exome Variant Server 0.00100; gnomAD 0.00100 and 0.00116; 1000 Genomes Project 30x 0.00109; TOPMed 0.00153.
gnomAD v4.1: 307 of 1,603,694 alleles (0.019%); highest among the groups gnomAD compares: African/African-American, 0.37%; 1 homozygote.

Submissions (3):

Fulgent Genetics
Classification: Uncertain significance for Cystathioninuria. Last evaluated: 2024-04-30. Review status: criteria provided, single submitter. Criteria: ACMG Guidelines, 2015. Collection method: clinical testing. Allele origin: germline.

Illumina Laboratory Services, Illumina
Classification: Uncertain significance for Cystathioninuria. Last evaluated: 2017-04-27. Review status: criteria provided, single submitter. Criteria: ICSL Variant Classification Criteria 13 December 2019. Collection method: clinical testing. Allele origin: germline.
Comment: This variant was observed as part of a predisposition screen in an ostensibly healthy population. A literature search was performed for the gene, cDNA change, and amino acid change (where applicable). Publications were found based on this search. However, the evidence from the literature, in combination with allele frequency data from public databases where available, was not sufficient to rule this variant in or out of causing disease. Therefore, this variant is classified as a variant of unknown significance.

Breakthrough Genomics
Classification: Uncertain significance. Review status: criteria provided, single submitter. Criteria: ACMG Guidelines, 2015. Collection method: not provided. Allele origin: germline. Inheritance: Autosomal recessive inheritance. Affected: yes.

Literature cited by the submitters: PubMed 23555315 (cited by Illumina Laboratory Services, Illumina).

NM_001902.6(CTH):c.685T>C (p.Cys229Arg)

Gene: CTH (cystathionine gamma-lyase; plus strand). Cytogenetic location: 1p31.1.
Variant type: single nucleotide variant.
Coding change: c.685T>C on transcript NM_001902.6 (MANE Select); coding-DNA position 685, T replaced by C.
Protein change: p.Cys229Arg; replaces cysteine 229 with arginine.
Molecular consequence: missense variant.
Genome position (GRCh38, 1-based): chr1:70,430,355, T>C. VCF-style: chr1-70430355-T-C. GRCh37 (hg19) VCF-style: chr1-70896038-T-C.
Other names: c.589T>C, p.Cys197Arg (NM_001190463.2); c.553T>C, p.Cys185Arg (NM_153742.5); short protein forms C185R, C229R, C197R.
Identifiers: ClinVar variation 874346 (VCV000874346.6), dbSNP rs145785987, ClinGen allele CA906253.
Genomic context (GRCh38, chr1:70,430,355, plus strand): 5'-TTTGTTTGTTTTTTGTTTTTAGGCCACAGTGATGTTGTAATGGGCCTGGTGTCTGTTAAT[T>C]GTGAAAGCCTTCATAATAGACTTCGTTTCTTGCAAAACTGTAAGTATTAAAAAGTGCAGG-3'
Protein context (NP_001893.2, residues 219-239): DVVMGLVSVN[Cys229Arg]ESLHNRLRFL